The following is an entry in ClinVar:

ClinVar aggregate classification (germline): Uncertain significance (1 of 4 stars; one submission).

Conditions:
Hereditary cancer-predisposing syndrome. Also called: Neoplastic Syndromes, Hereditary; Tumor predisposition; Hereditary Cancer Syndrome; Hereditary neoplastic syndrome. Identifiers: Orphanet 140162, MedGen C0027672, MeSH D009386, MONDO:0015356.

Submission:

Ambry Genetics
Classification: Uncertain significance for Hereditary cancer-predisposing syndrome. Last evaluated: 2026-03-10. Review status: criteria provided, single submitter. Criteria: Ambry Variant Classification Scheme 2023. Collection method: clinical testing. Allele origin: germline.
Comment: The c.1402_1404dupGAC variant (also known as p.D468dup), located in coding exon 5 of the AXIN2 gene, results from an in-frame duplication of GAC at nucleotide positions 1402 to 1404. This results in the duplication of an extra residue between codons 468 and 469. This amino acid position is highly conserved in available vertebrate species. In addition, this variant is predicted to be neutral by in silico analysis (Choi Y et al. PLoS ONE. 2012; 7(10):e46688). Based on the available evidence, the clinical significance of this variant remains unclear.

NM_004655.4(AXIN2):c.1402_1404dup (p.Asp468_His469insAsp)

Gene: AXIN2 (axin 2; minus strand). Cytogenetic location: 17q24.1.
Variant type: Duplication.
Coding change: c.1402_1404dup on transcript NM_004655.4 (MANE Select); coding-DNA positions 1402 to 1404, 3 bases duplicated (GAC; older notation c.1402_1404dupGAC).
Protein change: p.Asp468_His469insAsp.
Molecular consequence: inframe indel (on NM_004655.3).
Genome position (GRCh38, 1-based): chr17:65,537,632-65,537,634, GTC duplicated on the plus strand (GAC on the coding strand, the reverse complement: AXIN2 is on the minus strand). VCF-style (leftmost placement, unchanged base first): chr17-65537631-G-GGTC. GRCh37 (hg19) VCF-style: chr17-63533749-G-GGTC.
Other names: c.1402_1404dup, p.Asp468_His469insAsp (NM_001363813.1); c.1402_1404dupGAC (NM_004655.3).
Identifiers: ClinVar variation 4826942 (VCV004826942.1).